The following is an entry in ClinVar:

NM_152564.5(VPS13B):c.5662dup (p.Ile1888fs)

Gene: VPS13B (vacuolar protein sorting 13 homolog B; plus strand). Cytogenetic location: 8q22.2.
Variant type: Duplication.
Coding change: c.5662dup on transcript NM_152564.5 (MANE Select); coding-DNA position 5662, one base duplicated (A; older notation c.5662dupA).
Protein change: p.Ile1888fs; shifts the reading frame from isoleucine 1888.
Molecular consequence: frameshift variant.
Genome position (GRCh38, 1-based): chr8:99,642,252, A duplicated; the last of 7 consecutive A bases (chr8:99,642,246-99,642,252); duplicating any one gives the same sequence. VCF-style (leftmost placement, unchanged base first): chr8-99642245-G-GA. GRCh37 (hg19) VCF-style: chr8-100654473-G-GA.
Other names: c.5737dup, p.Ile1913fs (NM_017890.5); c.5737dupA (NM_017890.4); short protein forms I1888fs, I1913fs.
Identifiers: ClinVar variation 56676 (VCV000056676.9), dbSNP rs386834096, ClinGen allele CA264102.

ClinVar aggregate classification (germline): Pathogenic/Likely pathogenic. Review status: criteria provided, multiple submitters, no conflicts (2 of 4 stars). 3 submissions from 3 submitters: Pathogenic (1); Likely pathogenic (1). 1 of the submissions does not count toward it. Last evaluated 2023-10-06.

Conditions:
VPS13B-related disorder. Also called: VPS13B-related condition.
Cohen syndrome (COH1). Also called: PEPPER SYNDROME; Cutis verticis gyrata, retinitis pigmentosa, and sensorineural deafness. Identifiers: Orphanet 193, MedGen C0265223, MONDO:0008999, OMIM 216550.

Submissions (3):

Blueprint Genetics
Classification: Likely pathogenic for VPS13B-related disorders. Last evaluated: 2023-10-06. Review status: criteria provided, single submitter. Criteria: ACMG Guidelines, 2015. Collection method: clinical testing. Allele origin: germline. Affected: yes. Observed: 2 variant alleles.

Labcorp Genetics (formerly Invitae), Labcorp
Classification: Pathogenic for Cohen syndrome. Last evaluated: 2021-08-31. Review status: criteria provided, single submitter. Criteria: Invitae Variant Classification Sherloc (09022015). Collection method: clinical testing. Allele origin: germline.
Comment: For these reasons, this variant has been classified as Pathogenic. ClinVar contains an entry for this variant (Variation ID: 56676). This variant is also known as c.5730_5731insA. This premature translational stop signal has been observed in individual(s) with Cohen syndrome (PMID: 15141358). This variant is present in population databases (rs757201708, ExAC 0.02%). This sequence change creates a premature translational stop signal (p.Ile1913Asnfs*7) in the VPS13B gene. It is expected to result in an absent or disrupted protein product. Loss-of-function variants in VPS13B are known to be pathogenic (PMID: 15141358, 16648375, 20461111).

Juha Muilu Group; Institute for Molecular Medicine Finland (FIMM)
Classification: Likely pathogenic for Cohen syndrome. Review status: no assertion criteria provided. Collection method: not provided. Allele origin: unknown. Not counted in ClinVar's aggregate classification.
Comment: FinDis database variant: This variant was not found or characterized by our laboratory, data were collected from public sources: see reference
ClinVar note: Converted during submission from probable-pathogenic to Likely pathogenic.

Literature cited by the submitters: PubMed 15141358 (cited by Labcorp Genetics (formerly Invitae), Labcorp); PubMed 16648375 (cited by Labcorp Genetics (formerly Invitae), Labcorp); PubMed 20461111 (cited by Labcorp Genetics (formerly Invitae), Labcorp).